The following is an entry in ClinVar:

NM_000535.7(PMS2):c.2166G>A (p.Arg722=)

Gene: PMS2 (PMS1 homolog 2, mismatch repair system component; minus strand). Cytogenetic location: 7p22.1.
Variant type: single nucleotide variant.
Coding change: c.2166G>A on transcript NM_000535.7 (MANE Select); coding-DNA position 2166, G replaced by A.
Protein change: p.Arg722=; no amino-acid change (arginine 722 retained).
Molecular consequence: synonymous variant. On other transcripts: non-coding transcript variant (1).
Genome position (GRCh38, 1-based): chr7:5,982,832, C>T on the plus strand (G>A on the coding strand, the complement: PMS2 is on the minus strand). VCF-style: chr7-5982832-C-T. GRCh37 (hg19) VCF-style: chr7-6022463-C-T.
Other names: p.Arg722=; c.1761G>A, p.Arg587= (NM_001322003.2, NM_001322004.2, NM_001322005.2 and 1 more transcripts); c.2010G>A, p.Arg670= (NM_001322006.2); c.1848G>A, p.Arg616= (NM_001322007.2, NM_001322008.2); c.1605G>A, p.Arg535= (NM_001322010.2); c.1233G>A, p.Arg411= (NM_001322011.2, NM_001322012.2); c.1593G>A, p.Arg531= (NM_001322013.2); c.2166G>A, p.Arg722= (NM_001322014.2); and 1 more.
Identifiers: ClinVar variation 215756 (VCV000215756.22), dbSNP rs863224367, ClinGen allele CA337591.

ClinVar aggregate classification (germline): Benign/Likely benign. Review status: criteria provided, multiple submitters, no conflicts (2 of 4 stars). 7 submissions from 7 submitters: Benign (1); Likely benign (6). Last evaluated 2026-02-03.

Conditions:
Hereditary nonpolyposis colorectal neoplasms. Identifiers: MedGen C0009405, MeSH D003123.
Breast and/or ovarian cancer. Identifiers: MedGen CN221562.
Hereditary cancer-predisposing syndrome. Also called: Hereditary neoplastic syndrome; Neoplastic Syndromes, Hereditary; Tumor predisposition; Hereditary Cancer Syndrome. Identifiers: Orphanet 140162, MedGen C0027672, MeSH D009386, MONDO:0015356.
Lynch syndrome 4 (LYNCH4). Also called: Colorectal cancer, hereditary nonpolyposis, type 4; Hereditary non-polyposis colorectal cancer, type 4. Identifiers: Orphanet 144, MedGen C1838333, MONDO:0013699, OMIM 614337. Disease mechanism: loss of function.

Submissions (7):

Labcorp Genetics (formerly Invitae), Labcorp
Classification: Likely benign for Hereditary nonpolyposis colorectal neoplasms. Last evaluated: 2026-02-03. Review status: criteria provided, single submitter. Criteria: Invitae Variant Classification Sherloc (09022015). Collection method: clinical testing. Allele origin: germline.

Mayo Clinic Laboratories, Mayo Clinic
Classification: Likely benign. Last evaluated: 2025-05-16. Review status: criteria provided, single submitter. Criteria: ACMG Guidelines, 2015. Collection method: clinical testing. Allele origin: germline. Observed: 1 variant allele.
Comment: BP4, BP7

Myriad Genetics, Inc.
Classification: Benign for Lynch syndrome 4. Last evaluated: 2025-02-03. Review status: criteria provided, single submitter. Criteria: Myriad Autosomal Dominant, Autosomal Recessive and X-Linked Classification Criteria (2023). Collection method: clinical testing. Allele origin: unknown.
Comment: This variant is considered benign. This variant is a silent/synonymous amino acid change and it is not expected to impact splicing.

CHEO Genetics Diagnostic Laboratory, Children's Hospital of Eastern Ontario
Classification: Likely benign for Breast and/or ovarian cancer. Last evaluated: 2023-06-29. Review status: criteria provided, single submitter. Criteria: ACMG Guidelines, 2015. Collection method: clinical testing. Allele origin: germline.

Color Diagnostics, LLC DBA Color Health
Classification: Likely benign for Hereditary cancer-predisposing syndrome. Last evaluated: 2021-11-24. Review status: criteria provided, single submitter. Criteria: ACMG Guidelines, 2015. Collection method: clinical testing. Allele origin: germline.

Women's Health and Genetics/Laboratory Corporation of America, LabCorp
Classification: Likely benign. Last evaluated: 2019-09-03. Review status: criteria provided, single submitter. Criteria: LabCorp Variant Classification Summary - May 2015. Collection method: clinical testing. Allele origin: germline.

Ambry Genetics
Classification: Likely benign for Hereditary cancer-predisposing syndrome. Last evaluated: 2016-03-10. Review status: criteria provided, single submitter. Criteria: Ambry Variant Classification Scheme 2023. Collection method: clinical testing. Allele origin: germline.